The following is an entry in ClinVar:

NM_012330.4(KAT6B):c.658T>C (p.Leu220=)

Gene: KAT6B (lysine acetyltransferase 6B; plus strand). Cytogenetic location: 10q22.2.
Variant type: single nucleotide variant.
Coding change: c.658T>C on transcript NM_012330.4 (MANE Select); coding-DNA position 658, T replaced by C.
Protein change: p.Leu220=; no amino-acid change (leucine 220 retained).
Molecular consequence: synonymous variant.
Genome position (GRCh38, 1-based): chr10:74,960,006, T>C. VCF-style: chr10-74960006-T-C. GRCh37 (hg19) VCF-style: chr10-76719764-T-C.
Other names: c.658T>C, p.Leu220= (NM_001256468.2, NM_001256469.2, NM_001370132.1 and 10 more transcripts); c.120T>C, p.Val40= (NM_001370134.1, NM_001370135.1).
Identifiers: ClinVar variation 3016306 (VCV003016306.5), dbSNP rs899355890, ClinGen allele CA209697393.

ClinVar aggregate classification (germline): Likely benign. Review status: criteria provided, multiple submitters, no conflicts (2 of 4 stars). 2 submissions from 2 submitters: Likely benign (2). Last evaluated 2026-06-01.

Conditions:
Genitopatellar syndrome (GTPTS). Also called: Genitopatellar syndrome (GPS); ABSENT PATELLAE, SCROTAL HYPOPLASIA, RENAL ANOMALIES, FACIAL DYSMORPHISM, AND MENTAL RETARDATION. Identifiers: Orphanet 85201, MedGen C1853566, MONDO:0011640, OMIM 606170.

Allele frequency attached by ClinVar (database versions not stated): TOPMed below 0.00001.
gnomAD v4.1: 2 of 1,613,536 alleles (0.00012%); highest among the groups gnomAD compares: African/African-American, 0.0013%; no homozygotes.

Submissions (2):

CeGaT Center for Human Genetics Tuebingen
Classification: Likely benign. Last evaluated: 2026-06-01. Review status: criteria provided, single submitter. Criteria: CeGaT Center For Human Genetics Tuebingen Variant Classification Criteria Version 2. Collection method: clinical testing. Allele origin: germline. Affected: yes. Observed: 1 variant allele.
Comment: KAT6B: BP4, BP7

Labcorp Genetics (formerly Invitae), Labcorp
Classification: Likely benign for Genitopatellar syndrome. Last evaluated: 2024-05-06. Review status: criteria provided, single submitter. Criteria: Invitae Variant Classification Sherloc (09022015). Collection method: clinical testing. Allele origin: germline.